The following is an entry in ClinVar:

NM_000277.3(PAH):c.835C>A (p.Pro279Thr)

Gene: PAH (phenylalanine hydroxylase; minus strand). Cytogenetic location: 12q23.2.
Variant type: single nucleotide variant.
Coding change: c.835C>A on transcript NM_000277.3 (MANE Select); coding-DNA position 835, C replaced by A.
Protein change: p.Pro279Thr; replaces proline 279 with threonine.
Molecular consequence: missense variant.
Genome position (GRCh38, 1-based): chr12:102,852,822, G>T on the plus strand (C>A on the coding strand, the complement: PAH is on the minus strand). VCF-style: chr12-102852822-G-T. GRCh37 (hg19) VCF-style: chr12-103246600-G-T.
Other names: c.835C>A, p.Pro279Thr (NM_001354304.2); short protein forms P279T.
Identifiers: ClinVar variation 2891786 (VCV002891786.3), dbSNP rs1555204441, ClinGen allele CA386294537.

ClinVar aggregate classification (germline): Pathogenic (1 of 4 stars; one submission).

Conditions:
Phenylketonuria (PKU). Also called: FOLLING DISEASE; Phenylketonuria (PKU); OLIGOPHRENIA PHENYLPYRUVICA; Phenylketonurias. Identifiers: Orphanet 716, MedGen C0031485, MONDO:0009861, OMIM 261600. Disease mechanism: loss of function.

Allele frequency attached by ClinVar (database versions not stated): gnomAD exomes below 0.00001.
gnomAD v4.1: 2 of 1,614,038 alleles (0.00012%); highest among the groups gnomAD compares: Non-Finnish European, 0.00017%; no homozygotes.

Submission:

Labcorp Genetics (formerly Invitae), Labcorp
Classification: Pathogenic for Phenylketonuria. Last evaluated: 2022-11-29. Review status: criteria provided, single submitter. Criteria: Invitae Variant Classification Sherloc (09022015). Collection method: clinical testing. Allele origin: germline.
Comment: Advanced modeling of protein sequence and biophysical properties (such as structural, functional, and spatial information, amino acid conservation, physicochemical variation, residue mobility, and thermodynamic stability) performed at Invitae indicates that this missense variant is expected to disrupt PAH protein function. For these reasons, this variant has been classified as Pathogenic. This variant disrupts the p.Pro279 amino acid residue in PAH. Other variant(s) that disrupt this residue have been determined to be pathogenic (PMID: 21890392, 32668217). This suggests that this residue is clinically significant, and that variants that disrupt this residue are likely to be disease-causing. This missense change has been observed in individual(s) with PAH-related conditions (PMID: 32668217; BIOPKU). This variant is not present in population databases (gnomAD no frequency). This sequence change replaces proline, which is neutral and non-polar, with threonine, which is neutral and polar, at codon 279 of the PAH protein (p.Pro279Thr).

Literature cited by the submitters: PubMed 21890392; PubMed 32668217.